The following is an entry in ClinVar:

NM_017890.5(VPS13B):c.4235C>A (p.Thr1412Asn)

Gene: VPS13B (vacuolar protein sorting 13 homolog B; plus strand). Cytogenetic location: 8q22.2.
Variant type: single nucleotide variant.
Coding change: c.4235C>A on transcript NM_017890.5 (MANE Plus Clinical); coding-DNA position 4235, C replaced by A.
Protein change: p.Thr1412Asn; replaces threonine 1412 with asparagine.
Molecular consequence: missense variant. On other transcripts: intron variant (1).
Genome position (GRCh38, 1-based): chr8:99,507,847, C>A. VCF-style: chr8-99507847-C-A. GRCh37 (hg19) VCF-style: chr8-100520075-C-A.
Other names: c.4224+644C>A (NM_152564.5); short protein forms T1412N.
Identifiers: ClinVar variation 557823 (VCV000557823.5), dbSNP rs1554824983, ClinGen allele CA371870746.

ClinVar aggregate classification (germline): Uncertain significance. Review status: criteria provided, single submitter (1 of 4 stars). 2 submissions from 2 submitters: Uncertain significance (1). 1 of the submissions does not count toward it. Last evaluated 2023-01-12.

Conditions:
Cohen syndrome (COH1). Also called: Cutis verticis gyrata, retinitis pigmentosa, and sensorineural deafness; PEPPER SYNDROME. Identifiers: Orphanet 193, MedGen C0265223, MONDO:0008999, OMIM 216550.

Submissions (2):

Labcorp Genetics (formerly Invitae), Labcorp
Classification: Uncertain significance for Cohen syndrome. Last evaluated: 2023-01-12. Review status: criteria provided, single submitter. Criteria: Invitae Variant Classification Sherloc (09022015). Collection method: clinical testing. Allele origin: germline.
Comment: This sequence change replaces threonine, which is neutral and polar, with asparagine, which is neutral and polar, at codon 1412 of the VPS13B protein (p.Thr1412Asn). In summary, the available evidence is currently insufficient to determine the role of this variant in disease. Therefore, it has been classified as a Variant of Uncertain Significance. Algorithms developed to predict the effect of missense changes on protein structure and function are either unavailable or do not agree on the potential impact of this missense change (SIFT: "Not Available"; PolyPhen-2: "Possibly Damaging"; Align-GVGD: "Not Available"). ClinVar contains an entry for this variant (Variation ID: 557823). This variant has not been reported in the literature in individuals affected with VPS13B-related conditions. This variant is not present in population databases (gnomAD no frequency).

Counsyl
Classification: Uncertain significance for Cohen syndrome. Last evaluated: 2018-04-09. Review status: no assertion criteria provided. Collection method: clinical testing. Allele origin: unknown. Not counted in ClinVar's aggregate classification.